The following is an entry in ClinVar:

NM_006031.6(PCNT):c.4584+3G>A

Gene: PCNT (pericentrin; plus strand). Cytogenetic location: 21q22.3.
Variant type: single nucleotide variant.
Coding change: c.4584+3G>A on transcript NM_006031.6 (MANE Select); 3 bases into the intron after coding-DNA position 4584, G replaced by A.
Molecular consequence: intron variant.
Genome position (GRCh38, 1-based): chr21:46,398,258, G>A. VCF-style: chr21-46398258-G-A. GRCh37 (hg19) VCF-style: chr21-47818172-G-A.
Other names: c.4230+3G>A (NM_001315529.2).
Identifiers: ClinVar variation 896952 (VCV000896952.13), dbSNP rs201042435, ClinGen allele CA10079697.

ClinVar aggregate classification (germline): Conflicting classifications of pathogenicity. Review status: criteria provided, conflicting classifications (1 of 4 stars). 4 submissions from 4 submitters: Uncertain significance (2); Benign (1); Likely benign (1). Last evaluated 2026-02-01.

Conditions:
Microcephalic osteodysplastic primordial dwarfism type II (MOPD2). Also called: Microcephalic osteodysplastic primordial dwarfism with tooth abnormalities; MOPD II; OSTEODYSPLASTIC PRIMORDIAL DWARFISM, TYPE II. Identifiers: Orphanet 2637, MedGen C0432246, MONDO:0008872, OMIM 210720.

Allele frequency attached by ClinVar (database versions not stated): ESP Exome Variant Server 0.00023; TOPMed 0.00026; gnomAD exomes 0.00027 and 0.00044; gnomAD 0.00028 and 0.00029; ExAC 0.00047.
gnomAD v4.1: 472 of 1,604,654 alleles (0.029%); highest among the groups gnomAD compares: Non-Finnish European, 0.015%; 3 homozygotes.

Submissions (4):

Labcorp Genetics (formerly Invitae), Labcorp
Classification: Benign. Last evaluated: 2026-02-01. Review status: criteria provided, single submitter. Criteria: Invitae Variant Classification Sherloc (09022015). Collection method: clinical testing. Allele origin: germline.

ARUP Laboratories, Molecular Genetics and Genomics, ARUP Laboratories
Classification: Uncertain significance for Microcephalic osteodysplastic primordial dwarfism type II. Last evaluated: 2025-05-23. Review status: criteria provided, single submitter. Criteria: ARUP Molecular Germline Variant Investigation Process 2024. Collection method: clinical testing. Allele origin: germline.
Comment: The PCNT c.4584+3G>A variant (rs201042435), to our knowledge, is not reported in the medical literature but is reported in ClinVar (Variation ID: 896952). This variant is found in the general population with an overall allele frequency of 0.040% (105/262604 alleles, including a single homozygote) in the Genome Aggregation Database (v2.1.1). This is an intronic variant and computational analyses (Alamut Visual Plus v.1.12) predict that this variant does not alter splicing. However, since this variant is located within the minimal splice region, the clinical significance of this variant is uncertain at this time.

Blueprint Genetics
Classification: Likely benign. Last evaluated: 2024-08-22. Review status: criteria provided, single submitter. Criteria: ACMG Guidelines, 2015. Collection method: clinical testing. Allele origin: germline.

Illumina Laboratory Services, Illumina
Classification: Uncertain significance for Microcephalic osteodysplastic primordial dwarfism type II. Last evaluated: 2018-01-12. Review status: criteria provided, single submitter. Criteria: ICSL Variant Classification Criteria 13 December 2019. Collection method: clinical testing. Allele origin: germline.